The following is an entry in ClinVar:

ClinVar aggregate classification (germline): Uncertain significance. Review status: criteria provided, multiple submitters, no conflicts (2 of 4 stars). 5 submissions from 5 submitters: Uncertain significance (5). Last evaluated 2025-04-27.

Conditions:
Hereditary nonpolyposis colorectal neoplasms. Identifiers: MedGen C0009405, MeSH D003123.
Hereditary cancer-predisposing syndrome. Also called: Hereditary neoplastic syndrome; Tumor predisposition; Hereditary Cancer Syndrome; Neoplastic Syndromes, Hereditary. Identifiers: Orphanet 140162, MedGen C0027672, MeSH D009386, MONDO:0015356.

Allele frequency attached by ClinVar (database versions not stated): gnomAD exomes below 0.00001.
gnomAD v4.1: 4 of 1,614,094 alleles (0.00025%); highest among the groups gnomAD compares: African/African-American, 0.004%; no homozygotes.

Submissions (5):

Labcorp Genetics (formerly Invitae), Labcorp
Classification: Uncertain significance for Hereditary nonpolyposis colorectal neoplasms. Last evaluated: 2025-04-27. Review status: criteria provided, single submitter. Criteria: Invitae Variant Classification Sherloc (09022015). Collection method: clinical testing. Allele origin: germline.
Comment: This sequence change replaces serine, which is neutral and polar, with cysteine, which is neutral and slightly polar, at codon 472 of the MSH6 protein (p.Ser472Cys). This variant is not present in population databases (gnomAD no frequency). This variant has not been reported in the literature in individuals affected with MSH6-related conditions. ClinVar contains an entry for this variant (Variation ID: 221082). Invitae Evidence Modeling of protein sequence and biophysical properties (such as structural, functional, and spatial information, amino acid conservation, physicochemical variation, residue mobility, and thermodynamic stability) indicates that this missense variant is not expected to disrupt MSH6 protein function with a negative predictive value of 95%. In summary, the available evidence is currently insufficient to determine the role of this variant in disease. Therefore, it has been classified as a Variant of Uncertain Significance.

GeneDx
Classification: Uncertain significance. Last evaluated: 2024-07-22. Review status: criteria provided, single submitter. Criteria: GeneDx Variant Classification Process June 2021. Collection method: clinical testing. Allele origin: germline. Affected: yes.
Comment: Not observed at significant frequency in large population cohorts (gnomAD); In silico analysis indicates that this missense variant does not alter protein structure/function; Has not been previously published as pathogenic or benign to our knowledge; This variant is associated with the following publications: (PMID: 17531815, 21120944)

Color Diagnostics, LLC DBA Color Health
Classification: Uncertain significance for Hereditary cancer-predisposing syndrome. Last evaluated: 2023-12-05. Review status: criteria provided, single submitter. Criteria: ACMG Guidelines, 2015. Collection method: clinical testing. Allele origin: germline.
Comment: This missense variant replaces serine with cysteine at codon 472 of the MSH6 protein. Computational prediction tools and conservation analyses are inconclusive regarding the impact of this variant on the protein function. Computational splicing tools suggest that this variant may not impact RNA splicing. To our knowledge, functional assays have not been performed for this variant nor has this variant been reported in individuals affected with hereditary cancer in the literature. This variant has not been identified in the general population by the Genome Aggregation Database (gnomAD). Available evidence is insufficient to determine the role of this variant in disease conclusively. Therefore, this variant is classified as a Variant of Uncertain Significance.

Ambry Genetics
Classification: Uncertain significance for Hereditary cancer-predisposing syndrome. Last evaluated: 2023-06-09. Review status: criteria provided, single submitter. Criteria: Ambry Variant Classification Scheme 2023. Collection method: clinical testing. Allele origin: germline.
Comment: The p.S472C variant (also known as c.1415C>G), located in coding exon 4 of the MSH6 gene, results from a C to G substitution at nucleotide position 1415. The serine at codon 472 is replaced by cysteine, an amino acid with dissimilar properties. This amino acid position is not well conserved in available vertebrate species. In addition, the in silico prediction for this alteration is inconclusive. Since supporting evidence is limited at this time, the clinical significance of this alteration remains unclear.

Revvity Omics, Revvity
Classification: Uncertain significance. Last evaluated: 2021-03-12. Review status: criteria provided, single submitter. Criteria: ACMG Guidelines, 2015. Collection method: clinical testing. Allele origin: germline.

NM_000179.3(MSH6):c.1415C>G (p.Ser472Cys)

Gene: MSH6 (mutS homolog 6; plus strand). Cytogenetic location: 2p16.3.
Variant type: single nucleotide variant.
Coding change: c.1415C>G on transcript NM_000179.3 (MANE Select); coding-DNA position 1415, C replaced by G.
Protein change: p.Ser472Cys; replaces serine 472 with cysteine.
Molecular consequence: missense variant.
Genome position (GRCh38, 1-based): chr2:47,799,398, C>G. VCF-style: chr2-47799398-C-G. GRCh37 (hg19) VCF-style: chr2-48026537-C-G.
Other names: c.1025C>G, p.Ser342Cys (NM_001281492.2); c.509C>G, p.Ser170Cys (NM_001281493.2, NM_001281494.2); short protein forms S472C, S170C, S342C.
Identifiers: ClinVar variation 221082 (VCV000221082.27), dbSNP rs864622741, ClinGen allele CA349504.